The following is an entry in ClinVar:

ClinVar aggregate classification (germline): Likely pathogenic. Review status: criteria provided, multiple submitters, no conflicts (2 of 4 stars). 3 submissions from 3 submitters: Likely pathogenic (3). Last evaluated 2024-10-16.

Conditions:
SI-related disorders.
Sucrase-isomaltase deficiency (CSID). Also called: Deficiency of isomaltase; Congenital sucrose isomaltose malabsorption; Sucrose isomaltose enzyme deficiency; SI DEFICIENCY. Identifiers: Orphanet 35122, MedGen C1283620, MONDO:0009114, OMIM 222900.

Allele frequency attached by ClinVar (database versions not stated): TOPMed below 0.00001.

Submissions (3):

Labcorp Genetics (formerly Invitae), Labcorp
Classification: Likely pathogenic. Last evaluated: 2024-10-16. Review status: criteria provided, single submitter. Criteria: Invitae Variant Classification Sherloc (09022015). Collection method: clinical testing. Allele origin: germline.
Comment: This sequence change affects a donor splice site in intron 21 of the SI gene. It is expected to disrupt RNA splicing. Variants that disrupt the donor or acceptor splice site typically lead to a loss of protein function (PMID: 16199547), and loss-of-function variants in SI are known to be pathogenic (PMID: 16329100, 23103650, 25452324). This variant is not present in population databases (gnomAD no frequency). This variant has not been reported in the literature in individuals affected with SI-related conditions. ClinVar contains an entry for this variant (Variation ID: 2445615). Algorithms developed to predict the effect of sequence changes on RNA splicing suggest that this variant may disrupt the consensus splice site. In summary, the currently available evidence indicates that the variant is pathogenic, but additional data are needed to prove that conclusively. Therefore, this variant has been classified as Likely Pathogenic.

Department of Human Genetics, Hannover Medical School
Classification: Likely pathogenic for Sucrase-isomaltase deficiency. Last evaluated: 2023-03-24. Review status: criteria provided, single submitter. Criteria: ACMG Guidelines, 2015. Collection method: clinical testing. Allele origin: germline. Affected: yes.
Comment: Variant is located in the donor splice site region and the selected prediction programs for mRNA splicing indicate aberrant splicing due to loss of the natural splice site. This Variant has not been listed in the LOVD shared and ClinVar databases to date. The variant has not yet been detected in the normal population (population database gnomAD). Literature data are currently not available. We identified this variant in homozygous state.

Blueprint Genetics
Classification: Likely pathogenic for SI-related disorders. Last evaluated: 2020-08-14. Review status: criteria provided, single submitter. Criteria: ACMG Guidelines, 2015. Collection method: clinical testing. Allele origin: germline. Affected: yes. Observed: 1 variant allele.

Literature cited by the submitters: PubMed 16199547 (cited by Labcorp Genetics (formerly Invitae), Labcorp); PubMed 16329100 (cited by Labcorp Genetics (formerly Invitae), Labcorp); PubMed 23103650 (cited by Labcorp Genetics (formerly Invitae), Labcorp); PubMed 25452324 (cited by Labcorp Genetics (formerly Invitae), Labcorp).

NM_001041.4(SI):c.2426+1G>A

Gene: SI (sucrase-isomaltase; minus strand). Cytogenetic location: 3q26.1.
Variant type: single nucleotide variant.
Coding change: c.2426+1G>A on transcript NM_001041.4 (MANE Select); the canonical splice donor site of the intron after coding-DNA position 2426, G replaced by A.
Molecular consequence: splice donor variant.
Genome position (GRCh38, 1-based): chr3:165,037,899, C>T on the plus strand (G>A on the coding strand, the complement: SI is on the minus strand). VCF-style: chr3-165037899-C-T. GRCh37 (hg19) VCF-style: chr3-164755687-C-T.
Identifiers: ClinVar variation 2445615 (VCV002445615.4), dbSNP rs1712611940, ClinGen allele CA355048173.
Genomic context (GRCh38, chr3:165,037,899, plus strand): 5'-AATATGAAATATTAAGATTTGAATTTTATTTTAGATTTCAACTAATGATTTTTCATTTTA[C>T]CTTGCTGTTGTTGTTACATCTGGTTCTTGAATGGGGATGATATAACCTCCTCTAAGATGT-3'